The following is an entry in ClinVar:

ClinVar aggregate classification (germline): Likely benign (1 of 4 stars; one submission).

Conditions:
Ferguson-Bonni neurodevelopmental syndrome (FERBON). Identifiers: MedGen C5562065, MONDO:0859220, OMIM 619699.

gnomAD v4.1: 1 of 152,084 alleles (0.00066%); highest among the groups gnomAD compares: South Asian, 0.021%; no homozygotes.

Submission:

Centre for Medical Genetics,  Mumbai
Classification: Likely benign for Ferguson-Bonni neurodevelopmental syndrome. Last evaluated: 2026-02-18. Review status: criteria provided, single submitter. Criteria: ACMG Guidelines, 2015. Collection method: provider interpretation. Allele origin: germline. Inheritance: Autosomal recessive inheritance. Affected: no. Observed: 1 homozygote.
Comment: The variant satisfies PM2 criteria; Extremely low frequency in gnomAD population databases. However, the variant satisfies BS2 criteria.

Literature cited by the submitters: PubMed 34942119.

NM_016238.3(ANAPC7):c.101+2046A>G

Gene: ANAPC7 (anaphase promoting complex subunit 7; minus strand). Cytogenetic location: 12q24.11.
Variant type: single nucleotide variant.
Coding change: c.101+2046A>G on transcript NM_016238.3 (MANE Select); 2046 bases into the intron after coding-DNA position 101, A replaced by G.
Molecular consequence: intron variant. On other transcripts: missense variant (1), 5 prime UTR variant (1).
Genome position (GRCh38, 1-based): chr12:110,401,481, T>C on the plus strand (A>G on the coding strand, the complement: ANAPC7 is on the minus strand). VCF-style: chr12-110401481-T-C. GRCh37 (hg19) VCF-style: chr12-110839286-T-C.
Other names: c.112A>G, p.Lys38Glu (NM_001385208.1); c.-229A>G (NM_001385210.1); c.-349+2046A>G (NM_001385212.1); c.101+2046A>G (NM_001385211.1, NM_001137664.2); c.-101+1242A>G (NM_001385209.1); short protein forms K38E.
Identifiers: ClinVar variation 4795785 (VCV004795785.1).